The following is an entry in ClinVar:

ClinVar aggregate classification (germline): Uncertain significance (1 of 4 stars; one submission).

Allele frequency attached by ClinVar (database versions not stated): gnomAD exomes below 0.00001.
gnomAD v4.1: 3 of 1,612,094 alleles (0.00019%); highest among the groups gnomAD compares: Non-Finnish European, 0.00025%; no homozygotes.

Submission:

GeneDx
Classification: Uncertain significance. Last evaluated: 2022-12-21. Review status: criteria provided, single submitter. Criteria: GeneDx Variant Classification Process June 2021. Collection method: clinical testing. Allele origin: germline. Affected: yes.
Comment: Not observed at significant frequency in large population cohorts (gnomAD); In silico analysis supports that this missense variant does not alter protein structure/function; Has not been previously published as pathogenic or benign to our knowledge

NM_001386298.1(CIC):c.4721C>T (p.Ser1574Phe)

Gene: CIC (capicua transcriptional repressor; plus strand). Cytogenetic location: 19q13.2.
Variant type: single nucleotide variant.
Coding change: c.4721C>T on transcript NM_001386298.1 (MANE Select); coding-DNA position 4721, C replaced by T.
Protein change: p.Ser1574Phe; replaces serine 1574 with phenylalanine.
Molecular consequence: missense variant.
Genome position (GRCh38, 1-based): chr19:42,290,762, C>T. VCF-style: chr19-42290762-C-T. GRCh37 (hg19) VCF-style: chr19-42794914-C-T.
Other names: c.4721C>T, p.Ser1574Phe (NM_001304815.2, NM_001379480.1, NM_001379482.1 and 1 more transcripts); c.1994C>T, p.Ser665Phe (NM_001379484.1, NM_001379485.1, NM_015125.5); short protein forms S1574F, S665F.
Identifiers: ClinVar variation 1723563 (VCV001723563.2), dbSNP rs2513944846, ClinGen allele CA406108880.